The following is an entry in ClinVar:

ClinVar aggregate classification (germline): Likely pathogenic (1 of 4 stars; one submission).

Submission:

Labcorp Genetics (formerly Invitae), Labcorp
Classification: Likely pathogenic. Last evaluated: 2023-09-03. Review status: criteria provided, single submitter. Criteria: Invitae Variant Classification Sherloc (09022015). Collection method: clinical testing. Allele origin: germline.
Comment: This sequence change replaces glycine, which is neutral and non-polar, with serine, which is neutral and polar, at codon 43 of the PAX3 protein (p.Gly43Ser). This variant is not present in population databases (gnomAD no frequency). In summary, the currently available evidence indicates that the variant is pathogenic, but additional data are needed to prove that conclusively. Therefore, this variant has been classified as Likely Pathogenic. This variant disrupts the p.Gly43 amino acid residue in PAX3. Other variant(s) that disrupt this residue have been observed in individuals with PAX3-related conditions (PMID: 27264810, 30936914, 34038854; Invitae), which suggests that this may be a clinically significant amino acid residue. Advanced modeling of protein sequence and biophysical properties (such as structural, functional, and spatial information, amino acid conservation, physicochemical variation, residue mobility, and thermodynamic stability) performed at Invitae indicates that this missense variant is expected to disrupt PAX3 protein function. This missense change has been observed in individual(s) with clinical features of autosomal dominant Waardenburg syndrome (Invitae).

Literature cited by the submitters: PubMed 27264810; PubMed 30936914; PubMed 34038854.

NM_181458.4(PAX3):c.127G>A (p.Gly43Ser)

Gene: PAX3 (paired box 3; minus strand). Cytogenetic location: 2q36.1.
Variant type: single nucleotide variant.
Coding change: c.127G>A on transcript NM_181458.4 (MANE Select); coding-DNA position 127, G replaced by A.
Protein change: p.Gly43Ser; replaces glycine 43 with serine.
Molecular consequence: missense variant.
Genome position (GRCh38, 1-based): chr2:222,297,172, C>T on the plus strand (G>A on the coding strand, the complement: PAX3 is on the minus strand). VCF-style: chr2-222297172-C-T. GRCh37 (hg19) VCF-style: chr2-223161891-C-T.
Other names: c.127G>A, p.Gly43Ser (NM_000438.6, NM_001127366.3, NM_013942.5 and 4 more transcripts); short protein forms G43S.
Identifiers: ClinVar variation 2757775 (VCV002757775.3), dbSNP rs1574772091, ClinGen allele CA351113768.
Genomic context (GRCh38, chr2:222,297,172, plus strand): 5'-CCATCTCCACGATCTTGTGGCGGATGTGGTTGGGCAGCGGCCTGCCGTTGATAAAAACAC[C>T]GCCGAGCTGGTTGACGCGGCCCTGGCCGAGGGGAGTGGACACTGTGGGAAGGTGAAAAAG-3'
Protein context (NP_852123.1, residues 33-53): LGQGRVNQLG[Gly43Ser]VFINGRPLPN